The following is an entry in ClinVar:

ClinVar aggregate classification (germline): Uncertain significance (1 of 4 stars; one submission).

Allele frequency attached by ClinVar (database versions not stated): gnomAD exomes below 0.00001; TOPMed 0.00001; gnomAD 0.00002.
gnomAD v4.1: 10 of 1,549,456 alleles (0.00065%); highest among the groups gnomAD compares: African/African-American, 0.0082%; no homozygotes.

Submission:

Labcorp Genetics (formerly Invitae), Labcorp
Classification: Uncertain significance. Last evaluated: 2022-02-17. Review status: criteria provided, single submitter. Criteria: Invitae Variant Classification Sherloc (09022015). Collection method: clinical testing. Allele origin: germline.
Comment: This sequence change replaces glycine, which is neutral and non-polar, with aspartic acid, which is acidic and polar, at codon 323 of the PEPD protein (p.Gly323Asp). This variant is present in population databases (no rsID available, gnomAD 0.01%). This variant has not been reported in the literature in individuals affected with PEPD-related conditions. Algorithms developed to predict the effect of missense changes on protein structure and function (SIFT, PolyPhen-2, Align-GVGD) all suggest that this variant is likely to be disruptive. In summary, the available evidence is currently insufficient to determine the role of this variant in disease. Therefore, it has been classified as a Variant of Uncertain Significance.

NM_000285.4(PEPD):c.968G>A (p.Gly323Asp)

Gene: PEPD (peptidase D; minus strand). Cytogenetic location: 19q13.11.
Variant type: single nucleotide variant.
Coding change: c.968G>A on transcript NM_000285.4 (MANE Select); coding-DNA position 968, G replaced by A.
Protein change: p.Gly323Asp; replaces glycine 323 with aspartic acid.
Molecular consequence: missense variant.
Genome position (GRCh38, 1-based): chr19:33,391,479, C>T on the plus strand (G>A on the coding strand, the complement: PEPD is on the minus strand). VCF-style: chr19-33391479-C-T. GRCh37 (hg19) VCF-style: chr19-33882385-C-T.
Other names: c.845G>A, p.Gly282Asp (NM_001166056.2); c.776G>A, p.Gly259Asp (NM_001166057.2); short protein forms G323D, G259D, G282D.
Identifiers: ClinVar variation 2065146 (VCV002065146.1), dbSNP rs1035654550, ClinGen allele CA307573636.